The following is an entry in ClinVar:

ClinVar aggregate classification (germline): Likely benign. Review status: criteria provided, multiple submitters, no conflicts (2 of 4 stars). 2 submissions from 2 submitters: Likely benign (2). Last evaluated 2025-08-19.

Conditions:
Inborn genetic diseases. Identifiers: MedGen C0950123, MeSH D030342.
MAP1B-related disorder. Also called: MAP1B-related condition.

gnomAD v4.1: 98 of 1,614,128 alleles (0.0061%); highest among the groups gnomAD compares: African/African-American, 0.1%; no homozygotes.

Submissions (2):

PreventionGenetics, part of Exact Sciences
Classification: Likely benign for MAP1B-related condition. Last evaluated: 2025-08-19. Review status: criteria provided, single submitter. Criteria: ACMG Guidelines, 2015. Collection method: clinical testing. Allele origin: germline.
Comment: This variant is classified as likely benign based on ACMG/AMP sequence variant interpretation guidelines (Richards et al. 2015 PMID: 25741868, with internal and published modifications).

Ambry Genetics
Classification: Likely benign for Inborn genetic diseases. Last evaluated: 2024-11-09. Review status: criteria provided, single submitter. Criteria: Ambry Variant Classification Scheme 2023. Collection method: clinical testing. Allele origin: germline.

NM_005909.5(MAP1B):c.4033T>G (p.Ser1345Ala)

Gene: MAP1B (microtubule associated protein 1B; plus strand). Cytogenetic location: 5q13.2.
Variant type: single nucleotide variant.
Coding change: c.4033T>G on transcript NM_005909.5 (MANE Select); coding-DNA position 4033, T replaced by G.
Protein change: p.Ser1345Ala; replaces serine 1345 with alanine.
Molecular consequence: missense variant.
Genome position (GRCh38, 1-based): chr5:72,197,388, T>G. VCF-style: chr5-72197388-T-G. GRCh37 (hg19) VCF-style: chr5-71493215-T-G.
Other names: c.4033T>G (NM_005909.4); c.3655T>G, p.Ser1219Ala (NM_001324255.2); short protein forms S1219A, S1345A.
Identifiers: ClinVar variation 3542610 (VCV003542610.2).